The following is an entry in ClinVar:

ClinVar aggregate classification (germline): Uncertain significance (1 of 4 stars; one submission).

Conditions:
Neurofibromatosis, type 2 (SWNV). Also called: BILATERAL ACOUSTIC NEUROFIBROMATOSIS; SCHWANNOMATOSIS, VESTIBULAR; NF2-Related Schwannomatosis. Identifiers: Orphanet 637, MedGen C0027832, MONDO:0007039, OMIM 101000. Disease mechanism: loss of function.

Submission:

Labcorp Genetics (formerly Invitae), Labcorp
Classification: Uncertain significance for Neurofibromatosis, type 2. Last evaluated: 2021-03-14. Review status: criteria provided, single submitter. Criteria: Invitae Variant Classification Sherloc (09022015). Collection method: clinical testing. Allele origin: germline.
Comment: In summary, the available evidence is currently insufficient to determine the role of this variant in disease. Therefore, it has been classified as a Variant of Uncertain Significance. This variant is not present in population databases (ExAC no frequency). This variant has not been reported in the literature in individuals with NF2-related conditions. Algorithms developed to predict the effect of missense changes on protein structure and function are either unavailable or do not agree on the potential impact of this missense change (SIFT: "Tolerated"; PolyPhen-2: "Possibly Damaging"; Align-GVGD: "Class C0"). This sequence change replaces glutamine with glutamic acid at codon 389 of the NF2 protein (p.Gln389Glu). The glutamine residue is highly conserved and there is a small physicochemical difference between glutamine and glutamic acid.

NM_000268.4(NF2):c.1165C>G (p.Gln389Glu)

Gene: NF2 (NF2, moesin-ezrin-radixin like (MERLIN) tumor suppressor; plus strand). Cytogenetic location: 22q12.2.
Variant type: single nucleotide variant.
Coding change: c.1165C>G on transcript NM_000268.4 (MANE Select); coding-DNA position 1165, C replaced by G.
Protein change: p.Gln389Glu; replaces glutamine 389 with glutamic acid.
Molecular consequence: missense variant. On other transcripts: non-coding transcript variant (1), intron variant (1).
Genome position (GRCh38, 1-based): chr22:29,673,311, C>G. VCF-style: chr22-29673311-C-G. GRCh37 (hg19) VCF-style: chr22-30069300-C-G.
Other names: c.1165C>G, p.Gln389Glu (NM_016418.5, NM_181825.3, NM_181832.3); c.1039C>G, p.Gln347Glu (NM_181828.3); c.1042C>G, p.Gln348Glu (NM_181829.3); c.916C>G, p.Gln306Glu (NM_181830.3, NM_181831.3); c.448-21441C>G (NM_181833.3); short protein forms Q306E, Q347E, Q348E, Q389E.
Identifiers: ClinVar variation 1020897 (VCV001020897.9), dbSNP rs2066859953, ClinGen allele CA411148049.